The following is an entry in ClinVar:

NM_024753.5(TTC21B):c.996C>T (p.Tyr332=)

Gene: TTC21B (tetratricopeptide repeat domain 21B; minus strand). Cytogenetic location: 2q24.3.
Variant type: single nucleotide variant.
Coding change: c.996C>T on transcript NM_024753.5 (MANE Select); coding-DNA position 996, C replaced by T.
Protein change: p.Tyr332=; no amino-acid change (tyrosine 332 retained).
Molecular consequence: synonymous variant.
Genome position (GRCh38, 1-based): chr2:165,930,263, G>A on the plus strand (C>T on the coding strand, the complement: TTC21B is on the minus strand). VCF-style: chr2-165930263-G-A. GRCh37 (hg19) VCF-style: chr2-166786773-G-A.
Other names: c.996C>T (NM_024753.4).
Identifiers: ClinVar variation 3760711 (VCV003760711.3).

ClinVar aggregate classification (germline): Likely benign. Review status: criteria provided, multiple submitters, no conflicts (2 of 4 stars). 2 submissions from 2 submitters: Likely benign (2). Last evaluated 2025-07-01.

Conditions:
TTC21B-related disorder. Also called: TTC21B-related condition; TTC21B-related disorders.
Jeune thoracic dystrophy. Also called: Short-rib thoracic dysplasia; Jeune syndrome; Infantile thoracic dystrophy; Thoracic pelvic phalangeal dystrophy; Jeune's syndrome; Chondroectodermal dysplasia-like syndrome. Identifiers: Orphanet 474, MedGen C0265275, MONDO:0018770.
Nephronophthisis. Also called: Juvenile Nephronophthisis. Identifiers: Orphanet 655, MedGen C0687120, MONDO:0019005, HP:0000090.

gnomAD v4.1: 19 of 1,612,846 alleles (0.0012%); highest among the groups gnomAD compares: East Asian, 0.042%; no homozygotes.

Submissions (2):

PreventionGenetics, part of Exact Sciences
Classification: Likely benign for TTC21B-related condition. Last evaluated: 2025-07-01. Review status: criteria provided, single submitter. Criteria: ACMG Guidelines, 2015. Collection method: clinical testing. Allele origin: germline.
Comment: This variant is classified as likely benign based on ACMG/AMP sequence variant interpretation guidelines (Richards et al. 2015 PMID: 25741868, with internal and published modifications).

Labcorp Genetics (formerly Invitae), Labcorp
Classification: Likely benign for Jeune thoracic dystrophy; Nephronophthisis. Last evaluated: 2025-02-09. Review status: criteria provided, single submitter. Criteria: Invitae Variant Classification Sherloc (09022015). Collection method: clinical testing. Allele origin: germline.